The following is an entry in ClinVar:

ClinVar aggregate classification (germline): Pathogenic (1 of 4 stars; one submission).

Conditions:
Peroxisome biogenesis disorder. Identifiers: Orphanet 79189, MedGen C1832200, MONDO:0019234. Disease mechanism: loss of function.

Submission:

Myriad Genetics, Inc.
Classification: Pathogenic for Peroxisome biogenesis disorder. Last evaluated: 2025-05-05. Review status: criteria provided, single submitter. Criteria: Myriad Autosomal Dominant, Autosomal Recessive and X-Linked Classification Criteria (2023). Collection method: clinical testing. Allele origin: unknown.
Comment: NM_000466.2(PEX1):c.376dupC(L126Pfs*2) is expected to be pathogenic in the context of peroxisome biogenesis disorder type 1. This variant is predicted to lead to an abnormal or absent protein product due to the creation of a premature termination codon in PEX1, a gene where loss-of-function variants are known to be pathogenic. Please note: this variant was assessed in the context of healthy population screening.

NM_000466.3(PEX1):c.376dup (p.Leu126fs)

Gene: PEX1 (peroxisomal biogenesis factor 1; minus strand). Cytogenetic location: 7q21.2.
Variant type: Duplication.
Coding change: c.376dup on transcript NM_000466.3 (MANE Select); coding-DNA position 376, one base duplicated (C; older notation c.376dupC).
Protein change: p.Leu126fs; shifts the reading frame from leucine 126.
Molecular consequence: frameshift variant. On other transcripts: 5 prime UTR variant (1).
Genome position (GRCh38, 1-based): chr7:92,518,237, G duplicated on the plus strand (C on the coding strand, the reverse complement: PEX1 is on the minus strand); the first of 3 consecutive G bases (chr7:92,518,237-92,518,239); duplicating any one gives the same sequence. VCF-style (leftmost placement, unchanged base first): chr7-92518236-A-AG. GRCh37 (hg19) VCF-style: chr7-92147550-A-AG.
Other names: c.376dup, p.Leu126fs (NM_001282677.2); c.-249dup (NM_001282678.2); short protein forms L126fs.
Identifiers: ClinVar variation 5014387 (VCV005014387.1).